The following is an entry in ClinVar:

ClinVar aggregate classification (germline): Uncertain significance (1 of 4 stars; one submission).

Conditions:
Atrioventricular septal defect 5 (AVSD5). Identifiers: MedGen C3280939, MONDO:0013769, OMIM 614474.

Submission:

Labcorp Genetics (formerly Invitae), Labcorp
Classification: Uncertain significance for Atrioventricular septal defect 5. Last evaluated: 2023-08-24. Review status: criteria provided, single submitter. Criteria: Invitae Variant Classification Sherloc (09022015). Collection method: clinical testing. Allele origin: germline.
Comment: In summary, the available evidence is currently insufficient to determine the role of this variant in disease. Therefore, it has been classified as a Variant of Uncertain Significance. An algorithm developed to predict the effect of missense changes on protein structure and function (PolyPhen-2) suggests that this variant is likely to be tolerated. ClinVar contains an entry for this variant (Variation ID: 1482829). This variant has not been reported in the literature in individuals affected with GATA6-related conditions. This variant is not present in population databases (gnomAD no frequency). This sequence change replaces glycine, which is neutral and non-polar, with glutamic acid, which is acidic and polar, at codon 288 of the GATA6 protein (p.Gly288Glu).

NM_005257.6(GATA6):c.863G>A (p.Gly288Glu)

Gene: GATA6 (GATA binding protein 6; plus strand). Cytogenetic location: 18q11.2.
Variant type: single nucleotide variant.
Coding change: c.863G>A on transcript NM_005257.6 (MANE Select); coding-DNA position 863, G replaced by A.
Protein change: p.Gly288Glu; replaces glycine 288 with glutamic acid.
Molecular consequence: missense variant.
Genome position (GRCh38, 1-based): chr18:22,172,007, G>A. VCF-style: chr18-22172007-G-A. GRCh37 (hg19) VCF-style: chr18-19751968-G-A.
Other names: short protein forms G288E.
Identifiers: ClinVar variation 1482829 (VCV001482829.6), dbSNP rs2143277784, ClinGen allele CA401801156.